The following is an entry in ClinVar:

ClinVar aggregate classification (germline): Uncertain significance (1 of 4 stars; one submission).

Submission:

Labcorp Genetics (formerly Invitae), Labcorp
Classification: Uncertain significance. Last evaluated: 2025-05-18. Review status: criteria provided, single submitter. Criteria: Invitae Variant Classification Sherloc (09022015). Collection method: clinical testing. Allele origin: germline.
Comment: This sequence change replaces histidine, which is basic and polar, with glutamine, which is neutral and polar, at codon 86 of the ACOX2 protein (p.His86Gln). This variant is not present in population databases (gnomAD no frequency). This variant has not been reported in the literature in individuals affected with ACOX2-related conditions. An algorithm developed to predict the effect of missense changes on protein structure and function (PolyPhen-2) suggests that this variant is likely to be tolerated. In summary, the available evidence is currently insufficient to determine the role of this variant in disease. Therefore, it has been classified as a Variant of Uncertain Significance.

NM_003500.4(ACOX2):c.258C>G (p.His86Gln)

Gene: ACOX2 (acyl-CoA oxidase 2; minus strand). Cytogenetic location: 3p14.3.
Variant type: single nucleotide variant.
Coding change: c.258C>G on transcript NM_003500.4 (MANE Select); coding-DNA position 258, C replaced by G.
Protein change: p.His86Gln; replaces histidine 86 with glutamine.
Molecular consequence: missense variant.
Genome position (GRCh38, 1-based): chr3:58,534,425, G>C on the plus strand (C>G on the coding strand, the complement: ACOX2 is on the minus strand). VCF-style: chr3-58534425-G-C. GRCh37 (hg19) VCF-style: chr3-58520152-G-C.
Other names: short protein forms H86Q.
Identifiers: ClinVar variation 4719768 (VCV004719768.1).